The following is an entry in ClinVar:

ClinVar aggregate classification (germline): Uncertain significance (1 of 4 stars; one submission).

Conditions:
Atrial fibrillation, familial, 14 (ATFB14). Identifiers: MedGen C3809312, MONDO:0014156, OMIM 615378.

Submission:

Labcorp Genetics (formerly Invitae), Labcorp
Classification: Uncertain significance for Atrial fibrillation, familial, 14. Last evaluated: 2025-08-30. Review status: criteria provided, single submitter. Criteria: Invitae Variant Classification Sherloc (09022015). Collection method: clinical testing. Allele origin: germline.
Comment: This variant, c.341_355del, results in the deletion of 5 amino acid(s) of the SCN2B protein (p.Leu114_Gln118del), but otherwise preserves the integrity of the reading frame. This variant is not present in population databases (gnomAD no frequency). This variant has not been reported in the literature in individuals affected with SCN2B-related conditions. Experimental studies and prediction algorithms are not available or were not evaluated, and the functional significance of this variant is currently unknown. In summary, the available evidence is currently insufficient to determine the role of this variant in disease. Therefore, it has been classified as a Variant of Uncertain Significance.

NM_004588.5(SCN2B):c.341_355del (p.Leu114_Gln118del)

Gene: SCN2B (sodium voltage-gated channel beta subunit 2; minus strand). Cytogenetic location: 11q23.3.
Variant type: Deletion.
Coding change: c.341_355del on transcript NM_004588.5 (MANE Select); coding-DNA positions 341 to 355, 15 bases deleted (TGAGAAACGTGCAGC).
Protein change: p.Leu114_Gln118del.
Molecular consequence: inframe deletion.
Genome position (GRCh38, 1-based): chr11:118,168,178-118,168,192, GCTGCACGTTTCTCA deleted on the plus strand (TGAGAAACGTGCAGC on the coding strand, the reverse complement: SCN2B is on the minus strand); deleting any 15 consecutive bases within chr11:118,168,178-118,168,194 gives the same sequence; the c. name uses the placement nearest the transcript's 3' end. VCF-style (leftmost placement, unchanged base first): chr11-118168177-GGCTGCACGTTTCTCA-G. GRCh37 (hg19) VCF-style: chr11-118038892-GGCTGCACGTTTCTCA-G.
Identifiers: ClinVar variation 4726322 (VCV004726322.1).